The following is an entry in ClinVar:

ClinVar aggregate classification (germline): Likely pathogenic (1 of 4 stars; one submission).

Conditions:
Focal segmental glomerulosclerosis 2 (FSGS2). Identifiers: Orphanet 656, MedGen C1858915, MONDO:0011390, OMIM 603965.

Submission:

MVZ Medizinische Genetik Mainz
Classification: Likely pathogenic for Focal segmental glomerulosclerosis 2. Last evaluated: 2023-07-04. Review status: criteria provided, single submitter. Criteria: UK Practice Guidelines For Variant Classification V4 01 2020. Collection method: clinical testing. Allele origin: germline. Inheritance: Autosomal dominant inheritance. Affected: yes. Observed: 1 variant allele.
Comment: ACMG Criteria: PVS1_STR,PM5,PM1_SUP,PM2_SUP

NM_004621.6(TRPC6):c.2619_2626del (p.Asp873fs)

Gene: TRPC6 (transient receptor potential cation channel subfamily C member 6; minus strand). Cytogenetic location: 11q22.1.
Variant type: Deletion.
Coding change: c.2619_2626del on transcript NM_004621.6 (MANE Select); coding-DNA positions 2619 to 2626, 8 bases deleted (TAAGGAGA; older notation c.2619_2626delTAAGGAGA).
Protein change: p.Asp873fs; shifts the reading frame from aspartic acid 873.
Molecular consequence: frameshift variant.
Genome position (GRCh38, 1-based): chr11:101,453,668-101,453,675, TCTCCTTA deleted on the plus strand (TAAGGAGA on the coding strand, the reverse complement: TRPC6 is on the minus strand); deleting any 8 consecutive bases within chr11:101,453,668-101,453,678 gives the same sequence; the c. name uses the placement nearest the transcript's 3' end. VCF-style (leftmost placement, unchanged base first): chr11-101453667-CTCTCCTTA-C. GRCh37 (hg19) VCF-style: chr11-101324398-CTCTCCTTA-C.
Other names: short protein forms D873fs.
Identifiers: ClinVar variation 3236154 (VCV003236154.1), dbSNP rs2497277391, ClinGen allele CA2825001736.
Genomic context (GRCh38, chr11:101,453,667, plus strand): 5'-TGACTCACATTCAGGGGCTGATTTGCTTCTGCGTTCAACTCACCTTCGTTCACTTCATCA[CTCTCCTTA>C]TCTATCTGGGCCTGCAGTACATATCTTTTAATGAGCCTTTTCATTATTTTCTAGAAAACA-3'